The following is an entry in ClinVar:

NM_004370.6(COL12A1):c.5673C>G (p.Ile1891Met)

Gene: COL12A1 (collagen type XII alpha 1 chain; minus strand). Cytogenetic location: 6q13.
Variant type: single nucleotide variant.
Coding change: c.5673C>G on transcript NM_004370.6 (MANE Select); coding-DNA position 5673, C replaced by G.
Protein change: p.Ile1891Met; replaces isoleucine 1891 with methionine.
Molecular consequence: missense variant.
Genome position (GRCh38, 1-based): chr6:75,133,414, G>C on the plus strand (C>G on the coding strand, the complement: COL12A1 is on the minus strand). VCF-style: chr6-75133414-G-C. GRCh37 (hg19) VCF-style: chr6-75843130-G-C.
Other names: c.5673C>G (NM_004370.5); c.2181C>G, p.Ile727Met (NM_080645.3); short protein forms I1891M, I727M.
Identifiers: ClinVar variation 1054455 (VCV001054455.12), dbSNP rs750550229, ClinGen allele CA3893038.

ClinVar aggregate classification (germline): Conflicting classifications of pathogenicity. Review status: criteria provided, conflicting classifications (1 of 4 stars). 4 submissions from 4 submitters: Uncertain significance (3); Likely benign (1). Last evaluated 2025-07-31.

Conditions:
Ullrich congenital muscular dystrophy 2 (UCMD2). Identifiers: Orphanet 75840, MedGen C4225314, MONDO:0014654, OMIM 616470.
Bethlem myopathy 2 (BTHLM2). Identifiers: Orphanet 536516, Orphanet 610, MedGen C4225313, MONDO:0034022, OMIM 616471.
COL12A1-related disorder. Also called: COL12A1-related condition.

Allele frequency attached by ClinVar (database versions not stated): ExAC 0.00001; gnomAD exomes 0.00001; TOPMed 0.00001; gnomAD 0.00002.
gnomAD v4.1: 62 of 1,605,278 alleles (0.0039%); highest among the groups gnomAD compares: Non-Finnish European, 0.0052%; no homozygotes.

Submissions (4):

Labcorp Genetics (formerly Invitae), Labcorp
Classification: Likely benign for Bethlem myopathy 2; Ullrich congenital muscular dystrophy 2. Last evaluated: 2025-07-31. Review status: criteria provided, single submitter. Criteria: Invitae Variant Classification Sherloc (09022015). Collection method: clinical testing. Allele origin: germline.

PreventionGenetics, part of Exact Sciences
Classification: Uncertain significance for COL12A1-related condition. Last evaluated: 2025-06-20. Review status: criteria provided, single submitter. Criteria: ACMG Guidelines, 2015. Collection method: clinical testing. Allele origin: germline.
Comment: The COL12A1 c.5673C>G variant is predicted to result in the amino acid substitution p.Ile1891Met. To our knowledge, this variant has not been reported in the literature. This variant is reported in 0.0042% of alleles in individuals of African descent in gnomAD. At this time, the clinical significance of this variant is uncertain due to the absence of conclusive functional and genetic evidence.

Revvity Omics, Revvity
Classification: Uncertain significance. Last evaluated: 2024-05-29. Review status: criteria provided, single submitter. Criteria: ACMG Guidelines, 2015. Collection method: clinical testing. Allele origin: germline.

GeneDx
Classification: Uncertain significance. Last evaluated: 2024-04-15. Review status: criteria provided, single submitter. Criteria: GeneDx Variant Classification Process June 2021. Collection method: clinical testing. Allele origin: germline. Affected: yes.
Comment: In silico analysis indicates that this missense variant does not alter protein structure/function; Has not been previously published as pathogenic or benign to our knowledge